The following is an entry in ClinVar:

ClinVar aggregate classification (germline): Uncertain significance (1 of 4 stars; one submission).

Conditions:
GLUT1 deficiency syndrome 1, autosomal recessive. Identifiers: MedGen C3149117.

Submission:

Labcorp Genetics (formerly Invitae), Labcorp
Classification: Uncertain significance for GLUT1 deficiency syndrome 1, autosomal recessive. Last evaluated: 2025-02-26. Review status: criteria provided, single submitter. Criteria: Invitae Variant Classification Sherloc (09022015). Collection method: clinical testing. Allele origin: germline.
Comment: This sequence change replaces isoleucine, which is neutral and non-polar, with leucine, which is neutral and non-polar, at codon 202 of the SLC2A1 protein (p.Ile202Leu). This variant is not present in population databases (gnomAD no frequency). This variant has not been reported in the literature in individuals affected with SLC2A1-related conditions. Invitae Evidence Modeling of protein sequence and biophysical properties (such as structural, functional, and spatial information, amino acid conservation, physicochemical variation, residue mobility, and thermodynamic stability) indicates that this missense variant is not expected to disrupt SLC2A1 protein function with a negative predictive value of 95%. In summary, the available evidence is currently insufficient to determine the role of this variant in disease. Therefore, it has been classified as a Variant of Uncertain Significance.

NM_006516.4(SLC2A1):c.604A>C (p.Ile202Leu)

Gene: SLC2A1 (solute carrier family 2 member 1; minus strand). Cytogenetic location: 1p34.2.
Variant type: single nucleotide variant.
Coding change: c.604A>C on transcript NM_006516.4 (MANE Select); coding-DNA position 604, A replaced by C.
Protein change: p.Ile202Leu; replaces isoleucine 202 with leucine.
Molecular consequence: missense variant.
Genome position (GRCh38, 1-based): chr1:42,929,948, T>G on the plus strand (A>C on the coding strand, the complement: SLC2A1 is on the minus strand). VCF-style: chr1-42929948-T-G. GRCh37 (hg19) VCF-style: chr1-43395619-T-G.
Other names: short protein forms I202L.
Identifiers: ClinVar variation 4753410 (VCV004753410.1).